The following is an entry in ClinVar:

NM_001042492.3(NF1):c.1259A>G (p.Asn420Ser)

Gene: NF1 (neurofibromin 1; plus strand). Cytogenetic location: 17q11.2.
Variant type: single nucleotide variant.
Coding change: c.1259A>G on transcript NM_001042492.3 (MANE Select); coding-DNA position 1259, A replaced by G.
Protein change: p.Asn420Ser; replaces asparagine 420 with serine.
Molecular consequence: missense variant.
Genome position (GRCh38, 1-based): chr17:31,201,484, A>G. VCF-style: chr17-31201484-A-G. GRCh37 (hg19) VCF-style: chr17-29528502-A-G.
Other names: c.1259A>G, p.Asn420Ser (NM_000267.4, NM_001128147.3); short protein forms N420S.
Identifiers: ClinVar variation 457526 (VCV000457526.17), dbSNP rs1555611107, ClinGen allele CA398997795.

ClinVar aggregate classification (germline): Uncertain significance. Review status: criteria provided, multiple submitters, no conflicts (2 of 4 stars). 6 submissions from 6 submitters: Uncertain significance (6). Last evaluated 2025-11-05.

Conditions:
Cardiovascular phenotype. Identifiers: MedGen CN230736.
Hereditary cancer-predisposing syndrome. Also called: Hereditary Cancer Syndrome; Hereditary neoplastic syndrome; Tumor predisposition; Neoplastic Syndromes, Hereditary. Identifiers: Orphanet 140162, MedGen C0027672, MeSH D009386, MONDO:0015356.
Juvenile myelomonocytic leukemia (JMML). Also called: LEUKEMIA, JUVENILE MYELOMONOCYTIC, SOMATIC. Identifiers: Orphanet 86834, MedGen C0349639, MONDO:0011908, OMIM 607785, HP:0012209.
Neurofibromatosis, type 1 (NF1). Also called: VON RECKLINGHAUSEN DISEASE; NEUROFIBROMATOSIS, TYPE I, SOMATIC; Peripheral type neurofibromatosis; Neurofibromatosis, type I. Identifiers: Orphanet 636, MedGen C0027831, MONDO:0018975, OMIM 162200. Disease mechanism: loss of function.

Submissions (6):

Labcorp Genetics (formerly Invitae), Labcorp
Classification: Uncertain significance for Neurofibromatosis, type 1. Last evaluated: 2025-11-05. Review status: criteria provided, single submitter. Criteria: Invitae Variant Classification Sherloc (09022015). Collection method: clinical testing. Allele origin: germline.
Comment: This sequence change replaces asparagine, which is neutral and polar, with serine, which is neutral and polar, at codon 420 of the NF1 protein (p.Asn420Ser). RNA analysis indicates that this missense change induces altered splicing and may result in an absent or altered protein product. This variant is not present in population databases (gnomAD no frequency). This variant has not been reported in the literature in individuals affected with NF1-related conditions. Invitae Evidence Modeling of clinical and family history, age, sex, and reported ancestry of multiple individuals with this NF1 variant has been performed. This variant is expected to be benign with a negative predictive value of at least 95%. This is a validated machine learning model that incorporates the clinical features of 1,785,918 individuals referred to our laboratory for NF1 testing. ClinVar contains an entry for this variant (Variation ID: 457526). An algorithm developed to predict the effect of missense changes on protein structure and function (PolyPhen-2) suggests that this variant is likely to be disruptive. Studies have shown that this missense change results in activation of a cryptic splice site, and produces a non-functional protein and/or introduces a premature termination codon (internal data). In summary, the available evidence is currently insufficient to determine the role of this variant in disease. Therefore, it has been classified as a Variant of Uncertain Significance.

Ambry Genetics
Classification: Uncertain significance for Cardiovascular phenotype; Hereditary cancer-predisposing syndrome. Last evaluated: 2025-08-15. Review status: criteria provided, single submitter. Criteria: Ambry Variant Classification Scheme 2023. Collection method: clinical testing. Allele origin: germline.
Comment: The p.N420S variant (also known as c.1259A>G), located in coding exon 11 of the NF1 gene, results from an A to G substitution at nucleotide position 1259. The asparagine at codon 420 is replaced by serine, an amino acid with highly similar properties. This amino acid position is highly conserved in available vertebrate species. In addition, this alteration is predicted to be tolerated by in silico analysis. Based on the available evidence, the clinical significance of this variant remains unclear.

GeneDx
Classification: Uncertain significance. Last evaluated: 2025-06-04. Review status: criteria provided, single submitter. Criteria: GeneDx Variant Classification Process June 2021. Collection method: clinical testing. Allele origin: germline. Affected: yes.
Comment: Not observed at significant frequency in large population cohorts (gnomAD); In silico analysis suggests that this missense variant does not alter protein structure/function; Has not been previously published as pathogenic or benign to our knowledge; This variant is associated with the following publications: (PMID: 36243179)

Quest Diagnostics Nichols Institute San Juan Capistrano
Classification: Uncertain significance. Last evaluated: 2024-04-01. Review status: criteria provided, single submitter. Criteria: Quest Diagnostics criteria. Collection method: clinical testing. Allele origin: unknown.

Baylor Genetics
Classification: Uncertain significance for Juvenile myelomonocytic leukemia. Last evaluated: 2023-12-26. Review status: criteria provided, single submitter. Criteria: ACMG Guidelines, 2015. Collection method: clinical testing. Allele origin: unknown.

Genome-Nilou Lab
Classification: Uncertain significance for Neurofibromatosis, type 1. Last evaluated: 2022-03-15. Review status: criteria provided, single submitter. Criteria: ACMG Guidelines, 2015. Collection method: clinical testing. Allele origin: germline. Affected: no.

Literature cited by the submitters: PubMed 36243179 (cited by Quest Diagnostics Nichols Institute San Juan Capistrano).